The following is an entry in ClinVar:

ClinVar aggregate classification (germline): Uncertain significance (1 of 4 stars; one submission).

Conditions:
ROR2-related disorder. Also called: ROR2-related condition; ROR2-related disorders.

Submission:

PreventionGenetics, part of Exact Sciences
Classification: Uncertain significance for ROR2-related condition. Last evaluated: 2022-11-05. Review status: criteria provided, single submitter. Criteria: ACMG Guidelines, 2015. Collection method: clinical testing. Allele origin: germline.
Comment: The ROR2 c.2429C>T variant is predicted to result in the amino acid substitution p.Pro810Leu. To our knowledge, this variant has not been reported in the literature or in a large population database, indicating this variant is rare. At this time, the clinical significance of this variant is uncertain due to the absence of conclusive functional and genetic evidence.

NM_004560.4(ROR2):c.2429C>T (p.Pro810Leu)

Gene: ROR2 (ROR family WNT receptor 2; minus strand). Cytogenetic location: 9q22.31.
Variant type: single nucleotide variant.
Coding change: c.2429C>T on transcript NM_004560.4 (MANE Select); coding-DNA position 2429, C replaced by T.
Protein change: p.Pro810Leu; replaces proline 810 with leucine.
Molecular consequence: missense variant.
Genome position (GRCh38, 1-based): chr9:91,724,065, G>A on the plus strand (C>T on the coding strand, the complement: ROR2 is on the minus strand). VCF-style: chr9-91724065-G-A. GRCh37 (hg19) VCF-style: chr9-94486347-G-A.
Other names: short protein forms P810L.
Identifiers: ClinVar variation 2629088 (VCV002629088.1), dbSNP rs2490106060, ClinGen allele CA373794311.
Genomic context (GRCh38, chr9:91,724,065, plus strand): 5'-TAGGCCGGCACCGGCTGGTAGCCGTTGACGGGGACGTAGAGCTGCGGCGGGGGCACCATG[G>A]GTCTGATCTGGCCCTTCATGGGGATGAACTGGGGCTGTGGGAAGGGCGGGGCCTTCTGCT-3'
Protein context (NP_004551.2, residues 800-820): QFIPMKGQIR[Pro810Leu]MVPPPQLYVP